The following is an entry in ClinVar:

ClinVar aggregate classification (germline): Pathogenic. Review status: criteria provided, multiple submitters, no conflicts (2 of 4 stars). 2 submissions from 2 submitters: Pathogenic (2). Last evaluated 2024-12-24.

Submissions (2):

ARUP Laboratories, Molecular Genetics and Genomics, ARUP Laboratories
Classification: Pathogenic. Last evaluated: 2024-12-24. Review status: criteria provided, single submitter. Criteria: ARUP Molecular Germline Variant Investigation Process 2024. Collection method: clinical testing. Allele origin: germline.
Comment: The NOTCH3 c.1433G>A; p.Cys478Tyr variant (rs1568360142, ClinVar Variation ID: 585593) is reported in the literature in a family affected with CADASIL (Ozaki 20015, Rutten 2014). This variant is absent from the Genome Aggregation Database (v2.1.1), indicating it is not a common polymorphism. Computational analyses predict that this variant is deleterious (REVEL: 0.976). Most pathogenic NOTCH3 variants occur in exons 2-24 and either create or destroy a cysteine residue within an EGF-like domain (Rutten 2014); thus, this variant is consistent with the predominant mechanism of disease in this gene. Based on available information, this variant is considered to be pathogenic. References: Ozaki K et al. CADASIL with a novel NOTCH3 mutation (Cys478Tyr). J Stroke Cerebrovasc Dis. 2015 Mar;24(3):e61-2. PMID: 25595846. Rutten JW et al. Interpretation of NOTCH3 mutations in the diagnosis of CADASIL. Expert Rev Mol Diagn. 2014 Jun;14(5):593-603. PMID: 24844136.

Athena Diagnostics
Classification: Pathogenic. Last evaluated: 2017-11-01. Review status: criteria provided, single submitter. Criteria: Athena Diagnostics Criteria. Collection method: clinical testing. Allele origin: germline.

Literature cited by the submitters: PubMed 25595846 (cited by Athena Diagnostics).

NM_000435.3(NOTCH3):c.1433G>A (p.Cys478Tyr)

Gene: NOTCH3 (notch receptor 3; minus strand). Cytogenetic location: 19p13.12.
Variant type: single nucleotide variant.
Coding change: c.1433G>A on transcript NM_000435.3 (MANE Select); coding-DNA position 1433, G replaced by A.
Protein change: p.Cys478Tyr; replaces cysteine 478 with tyrosine.
Molecular consequence: missense variant.
Genome position (GRCh38, 1-based): chr19:15,188,294, C>T on the plus strand (G>A on the coding strand, the complement: NOTCH3 is on the minus strand). VCF-style: chr19-15188294-C-T. GRCh37 (hg19) VCF-style: chr19-15299105-C-T.
Other names: short protein forms C478Y.
Identifiers: ClinVar variation 585593 (VCV000585593.2), dbSNP rs1568360142, ClinGen allele CA404527000.